The following is an entry in ClinVar:

ClinVar aggregate classification (germline): Uncertain significance (1 of 4 stars; one submission).

gnomAD v4.1: 5 of 1,603,586 alleles (0.00031%); highest among the groups gnomAD compares: Non-Finnish European, 0.00043%; no homozygotes.

Submission:

Labcorp Genetics (formerly Invitae), Labcorp
Classification: Uncertain significance. Last evaluated: 2024-10-29. Review status: criteria provided, single submitter. Criteria: Invitae Variant Classification Sherloc (09022015). Collection method: clinical testing. Allele origin: germline.
Comment: This sequence change replaces leucine, which is neutral and non-polar, with proline, which is neutral and non-polar, at codon 4 of the DIABLO protein (p.Leu4Pro). This variant is not present in population databases (gnomAD no frequency). This variant has not been reported in the literature in individuals affected with DIABLO-related conditions. An algorithm developed to predict the effect of missense changes on protein structure and function (PolyPhen-2) suggests that this variant is likely to be disruptive. In summary, the available evidence is currently insufficient to determine the role of this variant in disease. Therefore, it has been classified as a Variant of Uncertain Significance.

NM_001371333.1(DIABLO):c.11T>C (p.Leu4Pro)

Genes: DIABLO (diablo IAP-binding mitochondrial protein; minus strand), LOC130009040 (ATAC-STARR-seq lymphoblastoid active region 7211; plus strand). Cytogenetic location: 12q24.31.
Variant type: single nucleotide variant.
Coding change: c.11T>C on transcript NM_001371333.1 (MANE Select); coding-DNA position 11, T replaced by C.
Protein change: p.Leu4Pro; replaces leucine 4 with proline.
Molecular consequence: missense variant. On other transcripts: 5 prime UTR variant (3).
Genome position (GRCh38, 1-based): chr12:122,226,004, A>G on the plus strand (T>C on the coding strand, the complement: DIABLO is on the minus strand). VCF-style: chr12-122226004-A-G. GRCh37 (hg19) VCF-style: chr12-122710551-A-G.
Other names: c.-120T>C (NM_001278302.1, NM_138930.3); c.-76T>C (NM_001278303.1); c.11T>C, p.Leu4Pro (NM_001278342.1, NM_019887.6); short protein forms L4P.
Identifiers: ClinVar variation 3724087 (VCV003724087.2).